The following is an entry in ClinVar:

NM_000047.3(ARSL):c.1472C>T (p.Ala491Val)

Gene: ARSL (arylsulfatase L; minus strand). Cytogenetic location: Xp22.33.
Variant type: single nucleotide variant.
Coding change: c.1472C>T on transcript NM_000047.3 (MANE Select); coding-DNA position 1472, C replaced by T.
Protein change: p.Ala491Val; replaces alanine 491 with valine.
Molecular consequence: missense variant.
Genome position (GRCh38, 1-based): chrX:2,935,130, G>A on the plus strand (C>T on the coding strand, the complement: ARSL is on the minus strand). VCF-style: chrX-2935130-G-A. GRCh37 (hg19) VCF-style: chrX-2853171-G-A.
Other names: c.1547C>T, p.Ala516Val (NM_001282628.2, NM_001369080.1); c.1310C>T, p.Ala437Val (NM_001282631.2, NM_001440750.1); c.1499C>T, p.Ala500Val (NM_001369079.1); c.1472C>T, p.Ala491Val (NM_001440751.1); short protein forms A516V, A500V, A437V, A491V.
Identifiers: ClinVar variation 5007545 (VCV005007545.2).

ClinVar aggregate classification (germline): Uncertain significance (1 of 4 stars; one submission).

Conditions:
X-linked chondrodysplasia punctata 1 (CDPX1). Also called: Chondrodysplasia punctata, X-linked recessive; CHONDRODYSPLASIA PUNCTATA, BRACHYTELEPHALANGIC. Identifiers: Orphanet 79345, MedGen C3669395, MONDO:0010555, OMIM 302950.

Submission:

Juno Genomics, Hangzhou Juno Genomics, Inc
Classification: Uncertain significance for X-linked chondrodysplasia punctata 1. Review status: criteria provided, single submitter. Criteria: ACMG Guidelines, 2015. Collection method: clinical testing. Allele origin: germline.
Comment: Absent from controls (or at extremely low frequency if recessive) in Genome Aggregation Database.